The following is an entry in ClinVar:

NM_024757.5(EHMT1):c.1603C>G (p.Leu535Val)

Genes: EHMT1 (euchromatic histone lysine methyltransferase 1; plus strand), LOC130003148 (ATAC-STARR-seq lymphoblastoid active region 29369; plus strand). Cytogenetic location: 9q34.3.
Variant type: single nucleotide variant.
Coding change: c.1603C>G on transcript NM_024757.5 (MANE Select); coding-DNA position 1603, C replaced by G.
Protein change: p.Leu535Val; replaces leucine 535 with valine.
Molecular consequence: missense variant.
Genome position (GRCh38, 1-based): chr9:137,762,776, C>G. VCF-style: chr9-137762776-C-G. GRCh37 (hg19) VCF-style: chr9-140657228-C-G.
Other names: c.1603C>G, p.Leu535Val (NM_001145527.2, NM_001354611.2); c.1510C>G, p.Leu504Val (NM_001354259.2, NM_001354612.2); c.1582C>G, p.Leu528Val (NM_001354263.2); short protein forms L535V, L504V, L528V.
Identifiers: ClinVar variation 2135984 (VCV002135984.1), dbSNP rs2542012465, ClinGen allele CA375769489.

ClinVar aggregate classification (germline): Uncertain significance (1 of 4 stars; one submission).

Submission:

GeneDx
Classification: Uncertain significance. Last evaluated: 2022-07-22. Review status: criteria provided, single submitter. Criteria: GeneDx Variant Classification Process June 2021. Collection method: clinical testing. Allele origin: germline. Affected: yes.
Comment: Not observed at significant frequency in large population cohorts (gnomAD); In silico analysis supports that this missense variant does not alter protein structure/function; Has not been previously published as pathogenic or benign to our knowledge